The following is an entry in ClinVar:

ClinVar aggregate classification (germline): Conflicting classifications of pathogenicity. Review status: criteria provided, conflicting classifications (1 of 4 stars). 2 submissions from 2 submitters: Uncertain significance (1); Likely benign (1). Last evaluated 2024-11-07.

Allele frequency attached by ClinVar (database versions not stated): 1000 Genomes Project 30x 0.00016; ExAC 0.00057; gnomAD exomes 0.00049.

Submissions (2):

Ambry Genetics
Classification: Uncertain significance. Last evaluated: 2024-11-07. Review status: criteria provided, single submitter. Criteria: Ambry Variant Classification Scheme 2023. Collection method: clinical testing. Allele origin: germline.

CeGaT Center for Human Genetics Tuebingen
Classification: Likely benign. Last evaluated: 2023-04-01. Review status: criteria provided, single submitter. Criteria: CeGaT Center For Human Genetics Tuebingen Variant Classification Criteria Version 2. Collection method: clinical testing. Allele origin: germline. Affected: yes. Observed: 1 variant allele.
Comment: CCZ1B: BS2

NM_198097.5(CCZ1B):c.967G>A (p.Ala323Thr)

Gene: CCZ1B (CCZ1B vacuolar protein trafficking and biogenesis associated; minus strand). Cytogenetic location: 7p22.1.
Variant type: single nucleotide variant.
Coding change: c.967G>A on transcript NM_198097.5 (MANE Select); coding-DNA position 967, G replaced by A.
Protein change: p.Ala323Thr; replaces alanine 323 with threonine.
Molecular consequence: missense variant.
Genome position (GRCh38, 1-based): chr7:6,806,025, C>T on the plus strand (G>A on the coding strand, the complement: CCZ1B is on the minus strand). VCF-style: chr7-6806025-C-T. GRCh37 (hg19) VCF-style: chr7-6845656-C-T.
Other names: short protein forms A323T.
Identifiers: ClinVar variation 2357028 (VCV002357028.27), dbSNP rs200829155, ClinGen allele CA4158257.